The following is an entry in ClinVar:

ClinVar aggregate classification (germline): Likely benign. Review status: criteria provided, single submitter (1 of 4 stars). 2 submissions from 2 submitters: Likely benign (1). 1 of the submissions does not count toward it. Last evaluated 2024-04-23.

Conditions:
Charcot-Marie-Tooth disease type 4. Also called: Charcot-Marie-Tooth disease, type IV; Charcot-Marie-Tooth, Type 4. Identifiers: Orphanet 64749, MedGen C4082197, MONDO:0018995.
FIG4-related disorder. Also called: FIG4-related condition; FIG4-related disorders.

Allele frequency attached by ClinVar (database versions not stated): TOPMed below 0.00001; gnomAD exomes 0.00001 and 0.00006.
gnomAD v4.1: 82 of 1,613,336 alleles (0.0051%); highest among the groups gnomAD compares: Non-Finnish European, 0.0068%; no homozygotes.

Submissions (2):

Labcorp Genetics (formerly Invitae), Labcorp
Classification: Likely benign for Charcot-Marie-Tooth disease type 4. Last evaluated: 2024-04-23. Review status: criteria provided, single submitter. Criteria: Invitae Variant Classification Sherloc (09022015). Collection method: clinical testing. Allele origin: germline.

PreventionGenetics, part of Exact Sciences
Classification: Likely benign for FIG4-related condition. Last evaluated: 2023-08-10. Review status: no assertion criteria provided. Collection method: clinical testing. Allele origin: germline. Not counted in ClinVar's aggregate classification.
Comment: This variant is classified as likely benign based on ACMG/AMP sequence variant interpretation guidelines (Richards et al. 2015 PMID: 25741868, with internal and published modifications).

NM_014845.6(FIG4):c.1827G>A (p.Glu609=)

Gene: FIG4 (FIG4 phosphoinositide 5-phosphatase; plus strand). Cytogenetic location: 6q21.
Variant type: single nucleotide variant.
Coding change: c.1827G>A on transcript NM_014845.6 (MANE Select); coding-DNA position 1827, G replaced by A.
Protein change: p.Glu609=; no amino-acid change (glutamic acid 609 retained).
Molecular consequence: synonymous variant.
Genome position (GRCh38, 1-based): chr6:109,776,998, G>A. VCF-style: chr6-109776998-G-A. GRCh37 (hg19) VCF-style: chr6-110098201-G-A.
Other names: c.1827G>A (NM_014845.5).
Identifiers: ClinVar variation 1604819 (VCV001604819.10), dbSNP rs756085095, ClinGen allele CA145168663.